The following is an entry in ClinVar:

ClinVar aggregate classification (germline): Benign. Review status: criteria provided, multiple submitters, no conflicts (2 of 4 stars). 3 submissions from 3 submitters: Benign (2). 1 of the submissions does not count toward it. Last evaluated 2019-08-15.

Allele frequency attached by ClinVar (database versions not stated): gnomAD exomes 0.14097 and 0.22524; ExAC 0.29714; gnomAD 0.11030 and 0.11222.
gnomAD v4.1: 109,364 of 784,176 alleles (14%); highest among the groups gnomAD compares: African/African-American, 25%; 576 homozygotes.

Submissions (3):

GeneDx
Classification: Benign. Last evaluated: 2019-08-15. Review status: criteria provided, single submitter. Criteria: GeneDx Variant Classification Process June 2021. Collection method: clinical testing. Allele origin: germline. Affected: yes.

Breakthrough Genomics
Classification: Benign. Review status: criteria provided, single submitter. Criteria: ACMG Guidelines, 2015. Collection method: not provided. Allele origin: germline. Inheritance: Autosomal recessive inheritance. Affected: yes.

Genetic Services Laboratory, University of Chicago
Classification: Likely benign. Review status: no assertion criteria provided. Collection method: clinical testing. Allele origin: germline. Inheritance: Autosomal recessive inheritance. Not counted in ClinVar's aggregate classification.
Comment: Likely benign based on allele frequency in 1000 Genomes Project or ESP global frequency and its presence in a patient with a rare or unrelated disease phenotype. NOT Sanger confirmed

NM_001194998.2(CEP152):c.87+26A>G

Gene: CEP152 (centrosomal protein 152; minus strand). Cytogenetic location: 15q21.1.
Variant type: single nucleotide variant.
Coding change: c.87+26A>G on transcript NM_001194998.2 (MANE Select); 26 bases into the intron after coding-DNA position 87, A replaced by G.
Molecular consequence: intron variant.
Genome position (GRCh38, 1-based): chr15:48,805,537, T>C on the plus strand (A>G on the coding strand, the complement: CEP152 is on the minus strand). VCF-style: chr15-48805537-T-C. GRCh37 (hg19) VCF-style: chr15-49097734-T-C.
Other names: c.87+26A>G (NM_014985.4).
Identifiers: ClinVar variation 158275 (VCV000158275.9), dbSNP rs72739872, ClinGen allele CA171742.